The following is an entry in ClinVar:

ClinVar aggregate classification (germline): Conflicting classifications of pathogenicity. Review status: criteria provided, conflicting classifications (1 of 4 stars). 4 submissions from 4 submitters: Uncertain significance (2); Likely benign (2). Last evaluated 2026-01-05.

Conditions:
Inborn genetic diseases. Identifiers: MedGen C0950123, MeSH D030342.
Brain small vessel disease 2A, autosomal dominant. Also called: Porencephaly 2. Identifiers: Orphanet 2940, Orphanet 99810, MedGen C3280970, MONDO:0013773, OMIM 614483.

Allele frequency attached by ClinVar (database versions not stated): ExAC 0.00008; 1000 Genomes Project 30x 0.00031; ESP Exome Variant Server 0.00033.
gnomAD v4.1: 82 of 1,586,080 alleles (0.0052%); highest among the groups gnomAD compares: African/African-American, 0.11%; no homozygotes.

Submissions (4):

Labcorp Genetics (formerly Invitae), Labcorp
Classification: Likely benign. Last evaluated: 2026-01-05. Review status: criteria provided, single submitter. Criteria: Invitae Variant Classification Sherloc (09022015). Collection method: clinical testing. Allele origin: germline.

Women's Health and Genetics/Laboratory Corporation of America, LabCorp
Classification: Uncertain significance. Last evaluated: 2024-04-09. Review status: criteria provided, single submitter. Criteria: LabCorp Variant Classification Summary - May 2015. Collection method: clinical testing. Allele origin: germline.
Comment: Variant summary: COL4A2 c.398G>T (p.Gly133Val) results in a non-conservative amino acid change in the encoded protein sequence. Five of five in-silico tools predict a damaging effect of the variant on protein function. The variant allele was found at a frequency of 5.9e-05 in 219394 control chromosomes (gnomAD). To our knowledge, no occurrence of c.398G>T in individuals affected with Porencephaly 2 and no experimental evidence demonstrating its impact on protein function have been reported. ClinVar contains an entry for this variant (Variation ID: 2173147). Based on the evidence outlined above, the variant was classified as uncertain significance.

Ambry Genetics
Classification: Likely benign for Inborn genetic diseases. Last evaluated: 2024-04-08. Review status: criteria provided, single submitter. Criteria: Ambry Variant Classification Scheme 2023. Collection method: clinical testing. Allele origin: germline.

Revvity Omics, Revvity
Classification: Uncertain significance for Brain small vessel disease 2A, autosomal dominant. Last evaluated: 2023-11-22. Review status: criteria provided, single submitter. Criteria: ACMG Guidelines, 2015. Collection method: clinical testing. Allele origin: germline.

NM_001846.4(COL4A2):c.398G>T (p.Gly133Val)

Gene: COL4A2 (collagen type IV alpha 2 chain; plus strand). Cytogenetic location: 13q34.
Variant type: single nucleotide variant.
Coding change: c.398G>T on transcript NM_001846.4 (MANE Select); coding-DNA position 398, G replaced by T.
Protein change: p.Gly133Val; replaces glycine 133 with valine.
Molecular consequence: missense variant.
Genome position (GRCh38, 1-based): chr13:110,428,504, G>T. VCF-style: chr13-110428504-G-T. GRCh37 (hg19) VCF-style: chr13-111080851-G-T.
Other names: c.398G>T (NM_001846.2); short protein forms G133V.
Identifiers: ClinVar variation 2173147 (VCV002173147.9), dbSNP rs199551935, ClinGen allele CA7048885.